The following is an entry in ClinVar:

ClinVar aggregate classification (germline): Uncertain significance. Review status: criteria provided, multiple submitters, no conflicts (2 of 4 stars). 2 submissions from 2 submitters: Uncertain significance (2). Last evaluated 2025-07-28.

Conditions:
Cardiovascular phenotype. Identifiers: MedGen CN230736.

Allele frequency attached by ClinVar (database versions not stated): gnomAD exomes below 0.00001; gnomAD 0.00001.
gnomAD v4.1: 2 of 1,613,876 alleles (0.00012%); highest among the groups gnomAD compares: African/African-American, 0.0013%; no homozygotes.

Submissions (2):

Women's Health and Genetics/Laboratory Corporation of America, LabCorp
Classification: Uncertain significance. Last evaluated: 2025-07-28. Review status: criteria provided, single submitter. Criteria: LabCorp Variant Classification Summary - May 2015. Collection method: clinical testing. Allele origin: germline.

Ambry Genetics
Classification: Uncertain significance for Cardiovascular phenotype. Last evaluated: 2013-07-19. Review status: criteria provided, single submitter. Criteria: Ambry Autosomal Dominant and X-Linked criteria (10/2015). Collection method: clinical testing. Allele origin: germline. Observed: 1 variant allele.
Comment: The p.T2198I variant (also known as c.6593C>T) is located in coding exon 28 of the TTN gene. This alteration results from a C to T substitution at nucleotide position 6593. The threonine at codon 2198 is replaced by isoleucine, an amino acid with similar properties. This variant was not reported in population-based cohorts in the following databases: Database of Single Nucleotide Polymorphisms (dbSNP), the 1000 Genomes Project and the NHLBI Exome Sequencing Project (ESP). In the ESP, this variant was not observed in 6503 samples (13006 alleles) with coverage at this position.Ã¢â‚¬â€¹ Based on protein sequence alignment, this amino acid position is highly conserved in available vertebrate species. In addition, this alteration is predicted to be possibly damaging by PolyPhen analysis.Since supporting evidence is limited at this time, the clinical significance of this variant remains unclear.

NM_001267550.2(TTN):c.6593C>T (p.Thr2198Ile)

Gene: TTN (titin; minus strand). Cytogenetic location: 2q31.2.
Variant type: single nucleotide variant.
Coding change: c.6593C>T on transcript NM_001267550.2 (MANE Select); coding-DNA position 6593, C replaced by T.
Protein change: p.Thr2198Ile; replaces threonine 2198 with isoleucine.
Molecular consequence: missense variant.
Genome position (GRCh38, 1-based): chr2:178,775,118, G>A on the plus strand (C>T on the coding strand, the complement: TTN is on the minus strand). VCF-style: chr2-178775118-G-A. GRCh37 (hg19) VCF-style: chr2-179639845-G-A.
Other names: c.6593C>T, p.Thr2198Ile (NM_133378.4, NM_001256850.1, NM_133379.5); c.6455C>T, p.Thr2152Ile (NM_003319.4, NM_133432.3, NM_133437.4); short protein forms T2198I, T2152I.
Identifiers: ClinVar variation 263666 (VCV000263666.4), dbSNP rs886038879, ClinGen allele CA10587518.